The following is an entry in ClinVar:

ClinVar aggregate classification (germline): Uncertain significance. Review status: criteria provided, multiple submitters, no conflicts (2 of 4 stars). 2 submissions from 2 submitters: Uncertain significance (2). Last evaluated 2025-08-04.

Conditions:
Early-infantile DEE. Also called: Early infantile epileptic encephalopathy; Early infantile epileptic encephalopathy with suppression bursts; Ohtahara syndrome. Identifiers: Orphanet 1934, MedGen C0393706, MONDO:0800491.

Submissions (2):

GeneDx
Classification: Uncertain significance. Last evaluated: 2025-08-04. Review status: criteria provided, single submitter. Criteria: GeneDx Variant Classification Process June 2021. Collection method: clinical testing. Allele origin: germline. Affected: yes.
Comment: Has not been previously published as pathogenic or benign to our knowledge; Not observed at significant frequency in large population cohorts (gnomAD); In silico analysis suggests that this missense variant does not alter protein structure/function; This substitution is predicted to be within the cytoplasmic loop between the first and second homologous domains

Labcorp Genetics (formerly Invitae), Labcorp
Classification: Uncertain significance for Early-infantile DEE. Last evaluated: 2023-05-20. Review status: criteria provided, single submitter. Criteria: Invitae Variant Classification Sherloc (09022015). Collection method: clinical testing. Allele origin: germline.
Comment: In summary, the available evidence is currently insufficient to determine the role of this variant in disease. Therefore, it has been classified as a Variant of Uncertain Significance. Algorithms developed to predict the effect of sequence changes on RNA splicing suggest that this variant may disrupt the consensus splice site. Advanced modeling of protein sequence and biophysical properties (such as structural, functional, and spatial information, amino acid conservation, physicochemical variation, residue mobility, and thermodynamic stability) performed at Invitae indicates that this missense variant is not expected to disrupt SCN1A protein function. This variant has not been reported in the literature in individuals affected with SCN1A-related conditions. This variant is not present in population databases (gnomAD no frequency). This sequence change replaces valine, which is neutral and non-polar, with leucine, which is neutral and non-polar, at codon 671 of the SCN1A protein (p.Val671Leu).

NM_001165963.4(SCN1A):c.2011G>T (p.Val671Leu)

Gene: SCN1A (sodium voltage-gated channel alpha subunit 1; minus strand). Cytogenetic location: 2q24.3.
Variant type: single nucleotide variant.
Coding change: c.2011G>T on transcript NM_001165963.4 (MANE Select); coding-DNA position 2011, G replaced by T.
Protein change: p.Val671Leu; replaces valine 671 with leucine.
Molecular consequence: missense variant. On other transcripts: splice donor variant (8), intron variant (4).
Genome position (GRCh38, 1-based): chr2:166,043,701, C>A on the plus strand (G>T on the coding strand, the complement: SCN1A is on the minus strand). VCF-style: chr2-166043701-C-A. GRCh37 (hg19) VCF-style: chr2-166900211-C-A.
Other names: c.2011G>T, p.Val671Leu (NM_001202435.3, NM_001353948.2); c.2010+1G>T (NM_001353949.2, NM_001353950.2, NM_001353951.2 and 2 more transcripts); c.1959+52G>T (NM_001353958.2, NM_001353957.2, NM_001165964.3); c.2007+1G>T (NM_001353955.2, NM_001353954.2); c.1956+52G>T (NM_001353960.2); c.-416+1G>T (NM_001353961.2); c.2011G>T (NM_001165963.1); short protein forms V671L.
Identifiers: ClinVar variation 2847163 (VCV002847163.4), dbSNP rs779308039, ClinGen allele CA349067102.